The following is an entry in ClinVar:

NM_000329.3(RPE65):c.1380G>A (p.Trp460Ter)

Gene: RPE65 (retinoid isomerohydrolase RPE65; minus strand). Cytogenetic location: 1p31.3.
Variant type: single nucleotide variant.
Coding change: c.1380G>A on transcript NM_000329.3 (MANE Select); coding-DNA position 1380, G replaced by A.
Protein change: p.Trp460Ter; replaces tryptophan 460 with a stop codon.
Molecular consequence: nonsense.
Genome position (GRCh38, 1-based): chr1:68,431,135, C>T on the plus strand (G>A on the coding strand, the complement: RPE65 is on the minus strand). VCF-style: chr1-68431135-C-T. GRCh37 (hg19) VCF-style: chr1-68896818-C-T.
Other names: NM_000329.3(RPE65):c.1380G>A; p.Trp460Ter; short protein forms W460*.
Identifiers: ClinVar variation 870343 (VCV000870343.12), dbSNP rs1645823028, ClinGen allele CA340742114.

ClinVar aggregate classification (germline): Pathogenic. Review status: reviewed by expert panel (3 of 4 stars). 5 submissions from 5 submitters: Pathogenic (1). 4 of the submissions do not count toward it. Last evaluated 2024-02-20.

Conditions:
Retinitis pigmentosa 20 (RP20). Identifiers: Orphanet 791, MedGen C3151086, MONDO:0013425, OMIM 613794.
Leber congenital amaurosis 2 (LCA2). Also called: Autosomal Recessive RPE65-Related Retinal Degeneration; AMAUROSIS CONGENITA OF LEBER II. Identifiers: Orphanet 65, MedGen C1859844, MONDO:0008765, OMIM 204100. Disease mechanism: loss of function.
RPE65-related recessive retinopathy. Also called: Recessive RPE65 retinopathy. Identifiers: MedGen CN305526, MONDO:0100368.

Submissions (5):

ClinGen Leber Congenital Amaurosis/early Onset Retinal Dystrophy Variant Curation Expert Panel, ClinGen
Classification: Pathogenic for RPE65-related recessive retinopathy. Last evaluated: 2024-02-20. Review status: reviewed by expert panel. Criteria: ClinGen LCAeoRD ACMG Specifications RPE65 V1.0.0. Collection method: curation. Allele origin: germline. Inheritance: Autosomal recessive inheritance.
Comment: NM_000329.3(RPE65):c.1380G>A (p.Trp460Ter) is a nonsense variant that introduces a premature stop codon into exon 13 of 14, and is predicted to lead to nonsense-mediated decay in a gene in which loss-of-function is an established mechanism of disease (PVS1). This variant is absent from gnomAD v2.1.1 (PM2_Supporting). This variant has been reported in at least 2 unrelated probands with early-onset severe retinal dystrophy who were compound heterozygous with either the c.11+5G>A variant suspected in trans (0.5 points, PMID: 19117922) or the c.886del (p.Arg296fs) variant confirmed in trans (1 point, PMID: 33952291), both of which were previously classified pathogenic by the ClinGen LCA / eoRD VCEP (1.5 total points, PM3). At least one proband harboring this variant exhibits a phenotype including diagnosis of Leber congenital amaurosis (0.5 pts), infantile onset (1 pt), nystagmus (1 pt), no detectable rod ERG responses (0.5 pts), reduced cone ERG responses (1 pt), reduced visual acuity (1 pt), and pigmentary retinopathy with attenuated vessels (0.5 pts), which together are specific for RPE65-related recessive retinopathy (5.5 total points, PMID: 19117922, PP4). In summary, this variant meets the criteria to be classified as Pathogenic for RPE65-related recessive retinopathy based on the ACMG/AMP criteria applied, as specified by the ClinGen LCA/eoRD VCEP: PVS1, PM2_Supporting, PM3, and PP4. (VCEP specifications version 1.0.0; date of approval 09/21/2023).

Myriad Genetics, Inc.
Classification: Pathogenic for RPE65-related recessive retinopathy. Last evaluated: 2025-06-04. Review status: criteria provided, single submitter. Criteria: Myriad Autosomal Dominant, Autosomal Recessive and X-Linked Classification Criteria (2023). Collection method: clinical testing. Allele origin: unknown. Not counted in ClinVar's aggregate classification.
Comment: NM_000329.2(RPE65):c.1380G>A(W460*) is a nonsense variant classified as pathogenic in the context of inherited retinal dystrophy, RPE65-related. W460* has been observed in a case with relevant disease (PMID: 33952291). Relevant functional assessments of this variant are not available in the literature. W460* has not been observed in referenced population frequency databases. In summary, NM_000329.2(RPE65):c.1380G>A(W460*) is a nonsense variant in a gene where loss of function is a known mechanism of disease, is predicted to disrupt protein function, and has been observed more frequently in cases with the relevant disease than in healthy populations. Please note: this variant was assessed in the context of healthy population screening.

GeneDx
Classification: Pathogenic. Last evaluated: 2023-01-09. Review status: criteria provided, single submitter. Criteria: GeneDx Variant Classification Process June 2021. Collection method: clinical testing. Allele origin: germline. Affected: yes. Not counted in ClinVar's aggregate classification.
Comment: Nonsense variant predicted to result in protein truncation or nonsense mediated decay in a gene for which loss-of-function is a known mechanism of disease; Not observed in large population cohorts (gnomAD); This variant is associated with the following publications: (PMID: 25525159, 17964524, 20079931)

SIB Swiss Institute of Bioinformatics
Classification: Likely pathogenic for Leber congenital amaurosis 2. Last evaluated: 2020-02-14. Review status: criteria provided, single submitter. Criteria: ACMG Guidelines, 2015. Collection method: curation. Allele origin: unknown. Not counted in ClinVar's aggregate classification.
Comment: This variant is interpreted as likely pathogenic for Leber congenital amaurosis 2, autosomal recessive. The following ACMG Tag(s) were applied: PM2, PVS1-Strong.

Labcorp Genetics (formerly Invitae), Labcorp
Classification: Pathogenic for Leber congenital amaurosis 2; Retinitis pigmentosa 20. Last evaluated: 2019-07-04. Review status: criteria provided, single submitter. Criteria: Invitae Variant Classification Sherloc (09022015). Collection method: clinical testing. Allele origin: germline. Not counted in ClinVar's aggregate classification.
Comment: For these reasons, this variant has been classified as Pathogenic. Loss-of-function variants in RPE65 are known to be pathogenic (PMID: 9326941, 9501220, 18632300). This variant has been observed in an individual affected with Leber congenital amaurosis (PMID: 17964524). This variant is not present in population databases (ExAC no frequency). This sequence change creates a premature translational stop signal (p.Trp460*) in the RPE65 gene. It is expected to result in an absent or disrupted protein product.

Literature cited by the submitters: PubMed 33952291 (cited by Myriad Genetics, Inc.); PubMed 17964524 (cited by SIB Swiss Institute of Bioinformatics and Labcorp Genetics (formerly Invitae), Labcorp); PubMed 9326941 (cited by Labcorp Genetics (formerly Invitae), Labcorp); PubMed 9501220 (cited by Labcorp Genetics (formerly Invitae), Labcorp); PubMed 18632300 (cited by Labcorp Genetics (formerly Invitae), Labcorp).